The following is an entry in ClinVar:

NM_005660.3(SLC35A2):c.335C>G (p.Thr112Arg)

Gene: SLC35A2 (solute carrier family 35 member A2; minus strand). Cytogenetic location: Xp11.23.
Variant type: single nucleotide variant.
Coding change: c.335C>G on transcript NM_005660.3 (MANE Select); coding-DNA position 335, C replaced by G.
Protein change: p.Thr112Arg; replaces threonine 112 with arginine.
Molecular consequence: missense variant.
Genome position (GRCh38, 1-based): chrX:48,906,483, G>C on the plus strand (C>G on the coding strand, the complement: SLC35A2 is on the minus strand). VCF-style: chrX-48906483-G-C. GRCh37 (hg19) VCF-style: chrX-48763760-G-C.
Other names: c.335C>G, p.Thr112Arg (NM_001032289.3, NM_001042498.3, NM_001282647.2); c.263C>G, p.Thr88Arg (NM_001282648.2); c.152C>G, p.Thr51Arg (NM_001282649.2); c.374C>G, p.Thr125Arg (NM_001282650.2); c.419C>G, p.Thr140Arg (NM_001282651.2); short protein forms T112R, T125R, T140R, T51R, T88R.
Identifiers: ClinVar variation 986008 (VCV000986008.3), dbSNP rs1557043139, ClinGen allele CA412896715.

ClinVar aggregate classification (germline): Uncertain significance (1 of 4 stars; one submission).

Conditions:
Inborn genetic diseases. Identifiers: MedGen C0950123, MeSH D030342.

Submission:

Ambry Genetics
Classification: Uncertain significance for Inborn genetic diseases. Last evaluated: 2018-12-03. Review status: criteria provided, single submitter. Criteria: Ambry Variant Classification Scheme 2023. Collection method: clinical testing. Allele origin: germline.
Comment: The p.T112R variant (also known as c.335C>G), located in coding exon 3 of the SLC35A2 gene, results from a C to G substitution at nucleotide position 335. The threonine at codon 112 is replaced by arginine, an amino acid with similar properties. This amino acid position is highly conserved in available vertebrate species. In addition, this alteration is predicted to be deleterious by in silico analysis. Since supporting evidence is limited at this time, the clinical significance of this alteration remains unclear.